The following is an entry in ClinVar:

NM_004448.4(ERBB2):c.1736C>T (p.Pro579Leu)

Gene: ERBB2 (erb-b2 receptor tyrosine kinase 2; plus strand). Cytogenetic location: 17q12.
Variant type: single nucleotide variant.
Coding change: c.1736C>T on transcript NM_004448.4 (MANE Select); coding-DNA position 1736, C replaced by T.
Protein change: p.Pro579Leu; replaces proline 579 with leucine.
Molecular consequence: missense variant. On other transcripts: non-coding transcript variant (1), intron variant (1).
Genome position (GRCh38, 1-based): chr17:39,716,604, C>T. VCF-style: chr17-39716604-C-T. GRCh37 (hg19) VCF-style: chr17-37872857-C-T.
Other names: c.1646C>T, p.Pro549Leu (NM_001005862.3, NM_001289938.2, NM_001382782.1 and 1 more transcripts); c.1691C>T, p.Pro564Leu (NM_001289936.2); c.1736C>T, p.Pro579Leu (NM_001289937.2, NM_001382785.1, NM_001382790.1 and 11 more transcripts); c.1853C>T, p.Pro618Leu (NM_001382784.1, NM_001382786.1); c.1811C>T, p.Pro604Leu (NM_001382787.1); c.1766C>T, p.Pro589Leu (NM_001382788.1); c.1757C>T, p.Pro586Leu (NM_001382789.1); c.1727C>T, p.Pro576Leu (NM_001382791.1); and 4 more; short protein forms P493L, P549L, P579L, P589L, P586L, P618L, P303L, P519L.
Identifiers: ClinVar variation 2077892 (VCV002077892.4), dbSNP rs756686824, ClinGen allele CA8534072.

ClinVar aggregate classification (germline): Uncertain significance (1 of 4 stars; one submission).

Allele frequency attached by ClinVar (database versions not stated): TOPMed 0.00005; gnomAD 0.00004; ExAC 0.00002.
gnomAD v4.1: 38 of 1,613,694 alleles (0.0024%); highest among the groups gnomAD compares: African/African-American, 0.008%; no homozygotes.

Submission:

Labcorp Genetics (formerly Invitae), Labcorp
Classification: Uncertain significance. Last evaluated: 2022-04-16. Review status: criteria provided, single submitter. Criteria: Invitae Variant Classification Sherloc (09022015). Collection method: clinical testing. Allele origin: germline.
Comment: This variant is present in population databases (rs756686824, gnomAD 0.008%). In summary, the available evidence is currently insufficient to determine the role of this variant in disease. Therefore, it has been classified as a Variant of Uncertain Significance. Algorithms developed to predict the effect of missense changes on protein structure and function output the following: SIFT: "Tolerated"; PolyPhen-2: "Benign"; Align-GVGD: "Class C0". The leucine amino acid residue is found in multiple mammalian species, which suggests that this missense change does not adversely affect protein function. This variant has not been reported in the literature in individuals affected with ERBB2-related conditions. This sequence change replaces proline, which is neutral and non-polar, with leucine, which is neutral and non-polar, at codon 579 of the ERBB2 protein (p.Pro579Leu).